The following is an entry in ClinVar:

ClinVar aggregate classification (germline): Uncertain significance (1 of 4 stars; one submission).

Conditions:
TH-deficient dopa-responsive dystonia. Also called: Tyrosine Hydroxylase-Deficient Dopa-Responsive Dystonia; Segawa syndrome, autosomal recessive; DYT-TH. Identifiers: Orphanet 101150, MedGen C2673535, MONDO:0011551, OMIM 605407.

gnomAD v4.1: 2 of 1,604,194 alleles (0.00012%); highest among the groups gnomAD compares: Admixed American, 0.0034%; no homozygotes.

Submission:

Labcorp Genetics (formerly Invitae), Labcorp
Classification: Uncertain significance for TH-deficient dopa-responsive dystonia. Last evaluated: 2022-07-05. Review status: criteria provided, single submitter. Criteria: Invitae Variant Classification Sherloc (09022015). Collection method: clinical testing. Allele origin: germline.
Comment: This sequence change replaces alanine, which is neutral and non-polar, with threonine, which is neutral and polar, at codon 51 of the TH protein (p.Ala51Thr). The frequency data for this variant in the population databases is considered unreliable, as metrics indicate poor data quality at this position in the gnomAD database. This variant has not been reported in the literature in individuals affected with TH-related conditions. ClinVar contains an entry for this variant (Variation ID: 1477034). Advanced modeling of protein sequence and biophysical properties (such as structural, functional, and spatial information, amino acid conservation, physicochemical variation, residue mobility, and thermodynamic stability) performed at Invitae indicates that this missense variant is not expected to disrupt TH protein function. In summary, the available evidence is currently insufficient to determine the role of this variant in disease. Therefore, it has been classified as a Variant of Uncertain Significance.

NM_000360.4(TH):c.91-851G>A

Gene: TH (tyrosine hydroxylase; minus strand). Cytogenetic location: 11p15.5.
Variant type: single nucleotide variant.
Coding change: c.91-851G>A on transcript NM_000360.4 (MANE Select); 851 bases into the intron before coding-DNA position 91, G replaced by A.
Molecular consequence: intron variant. On other transcripts: missense variant (2).
Genome position (GRCh38, 1-based): chr11:2,170,722, C>T on the plus strand (G>A on the coding strand, the complement: TH is on the minus strand). VCF-style: chr11-2170722-C-T. GRCh37 (hg19) VCF-style: chr11-2191952-C-T.
Other names: c.151G>A, p.Ala51Thr (NM_199292.3); c.139G>A, p.Ala47Thr (NM_199293.3); short protein forms A47T, A51T.
Identifiers: ClinVar variation 1477034 (VCV001477034.3), dbSNP rs1186732715, ClinGen allele CA379112628.